The following is an entry in ClinVar:

NM_000141.5(FGFR2):c.1299G>C (p.Glu433Asp)

Gene: FGFR2 (fibroblast growth factor receptor 2; minus strand). Cytogenetic location: 10q26.13.
Variant type: single nucleotide variant.
Coding change: c.1299G>C on transcript NM_000141.5 (MANE Select); coding-DNA position 1299, G replaced by C.
Protein change: p.Glu433Asp; replaces glutamic acid 433 with aspartic acid.
Molecular consequence: missense variant. On other transcripts: non-coding transcript variant (1).
Genome position (GRCh38, 1-based): chr10:121,503,930, C>G on the plus strand (G>C on the coding strand, the complement: FGFR2 is on the minus strand). VCF-style: chr10-121503930-C-G. GRCh37 (hg19) VCF-style: chr10-123263444-C-G.
Other names: c.1302G>C, p.Glu434Asp (NM_001144913.1, NM_022970.4); c.963G>C, p.Glu321Asp (NM_001144914.1); c.1032G>C, p.Glu344Asp (NM_001144915.2, NM_023029.3); c.954G>C, p.Glu318Asp (NM_001144916.2); c.951G>C, p.Glu317Asp (NM_001144917.2); c.948G>C, p.Glu316Asp (NM_001144918.2); c.1035G>C, p.Glu345Asp (NM_001144919.2); c.615G>C, p.Glu205Asp (NM_001320654.2); and 1 more; short protein forms E344D, E433D, E431D, E205D, E316D, E318D, E434D, E317D.
Identifiers: ClinVar variation 2980938 (VCV002980938.3), dbSNP rs1045429276, ClinGen allele CA214297310.

ClinVar aggregate classification (germline): Uncertain significance (1 of 4 stars; one submission).

Conditions:
FGFR2-related craniosynostosis. Identifiers: MedGen CN231480.

Allele frequency attached by ClinVar (database versions not stated): gnomAD exomes below 0.00001; TOPMed 0.00002.
gnomAD v4.1: 1 of 1,614,110 alleles (0.000062%); highest among the groups gnomAD compares: African/African-American, 0.0013%; no homozygotes.

Submission:

Labcorp Genetics (formerly Invitae), Labcorp
Classification: Uncertain significance for FGFR2-related craniosynostosis. Last evaluated: 2023-06-24. Review status: criteria provided, single submitter. Criteria: Invitae Variant Classification Sherloc (09022015). Collection method: clinical testing. Allele origin: germline.
Comment: This sequence change replaces glutamic acid, which is acidic and polar, with aspartic acid, which is acidic and polar, at codon 433 of the FGFR2 protein (p.Glu433Asp). This variant is not present in population databases (gnomAD no frequency). This variant has not been reported in the literature in individuals affected with FGFR2-related conditions. Advanced modeling of protein sequence and biophysical properties (such as structural, functional, and spatial information, amino acid conservation, physicochemical variation, residue mobility, and thermodynamic stability) performed at Invitae indicates that this missense variant is not expected to disrupt FGFR2 protein function. In summary, the available evidence is currently insufficient to determine the role of this variant in disease. Therefore, it has been classified as a Variant of Uncertain Significance.